The following is an entry in ClinVar:

NM_000152.5(GAA):c.214C>A (p.Pro72Thr)

Gene: GAA (alpha glucosidase; plus strand). Cytogenetic location: 17q25.3.
Variant type: single nucleotide variant.
Coding change: c.214C>A on transcript NM_000152.5 (MANE Select); coding-DNA position 214, C replaced by A.
Protein change: p.Pro72Thr; replaces proline 72 with threonine.
Molecular consequence: missense variant.
Genome position (GRCh38, 1-based): chr17:80,104,800, C>A. VCF-style: chr17-80104800-C-A. GRCh37 (hg19) VCF-style: chr17-78078599-C-A.
Other names: c.214C>A, p.Pro72Thr (NM_001079803.3, NM_001079804.3); short protein forms P72T.
Identifiers: ClinVar variation 1422028 (VCV001422028.6), dbSNP rs923068950, ClinGen allele CA294886764.

ClinVar aggregate classification (germline): Uncertain significance (1 of 4 stars; one submission).

Conditions:
Glycogen storage disease, type II (IOPD). Also called: Glycogen storage disease type 2; Acid maltase deficiency disease; Aglucosidase alfa; Deficiency of alpha-glucosidase; Deficiency of lysosomal alpha-glucosidase; CARDIOMEGALIA GLYCOGENICA DIFFUSA. Identifiers: Orphanet 365, MedGen C0017921, MONDO:0009290, OMIM 232300.

Allele frequency attached by ClinVar (database versions not stated): TOPMed below 0.00001; gnomAD 0.00001; gnomAD exomes 0.00001.
gnomAD v4.1: 2 of 1,611,856 alleles (0.00012%); highest among the groups gnomAD compares: African/African-American, 0.0027%; no homozygotes.

Submission:

Labcorp Genetics (formerly Invitae), Labcorp
Classification: Uncertain significance for Glycogen storage disease, type II. Last evaluated: 2021-12-08. Review status: criteria provided, single submitter. Criteria: Invitae Variant Classification Sherloc (09022015). Collection method: clinical testing. Allele origin: germline.
Comment: This sequence change replaces proline, which is neutral and non-polar, with threonine, which is neutral and polar, at codon 72 of the GAA protein (p.Pro72Thr). The frequency data for this variant in the population databases is considered unreliable, as metrics indicate poor data quality at this position in the gnomAD database. This variant has not been reported in the literature in individuals affected with GAA-related conditions. Advanced modeling of protein sequence and biophysical properties (such as structural, functional, and spatial information, amino acid conservation, physicochemical variation, residue mobility, and thermodynamic stability) performed at Invitae indicates that this missense variant is not expected to disrupt GAA protein function. In summary, the available evidence is currently insufficient to determine the role of this variant in disease. Therefore, it has been classified as a Variant of Uncertain Significance.